The following is an entry in ClinVar:

ClinVar aggregate classification (germline): Likely pathogenic (1 of 4 stars; one submission).

Conditions:
Inborn genetic diseases. Identifiers: MedGen C0950123, MeSH D030342.

Submission:

Ambry Genetics
Classification: Likely pathogenic for Inborn genetic diseases. Last evaluated: 2026-03-30. Review status: criteria provided, single submitter. Criteria: Ambry Variant Classification Scheme 2023. Collection method: clinical testing. Allele origin: germline.
Comment: The c.934G>C (p.A312P) alteration is located in exon 9 (coding exon 9) of the MCCC1 gene. This alteration results from a G to C substitution at nucleotide position 934, causing the alanine (A) at amino acid position 312 to be replaced by a proline (P). This variant was not reported in population-based cohorts in the Genome Aggregation Database (gnomAD). This amino acid position is highly conserved in available vertebrate species. This alteration is predicted to be deleterious by in silico analysis. Based on the available evidence, this alteration is classified as likely pathogenic.

NM_020166.5(MCCC1):c.934G>C (p.Ala312Pro)

Gene: MCCC1 (methylcrotonyl-CoA carboxylase subunit 1; minus strand). Cytogenetic location: 3q27.1.
Variant type: single nucleotide variant.
Coding change: c.934G>C on transcript NM_020166.5 (MANE Select); coding-DNA position 934, G replaced by C.
Protein change: p.Ala312Pro; replaces alanine 312 with proline.
Molecular consequence: missense variant. On other transcripts: non-coding transcript variant (2).
Genome position (GRCh38, 1-based): chr3:183,052,180, C>G on the plus strand (G>C on the coding strand, the complement: MCCC1 is on the minus strand). VCF-style: chr3-183052180-C-G. GRCh37 (hg19) VCF-style: chr3-182769968-C-G.
Other names: c.583G>C, p.Ala195Pro (NM_001293273.2); c.607G>C, p.Ala203Pro (NM_001363880.1); short protein forms A312P, A195P, A203P.
Identifiers: ClinVar variation 4841029 (VCV004841029.2).